The following is an entry in ClinVar:

ClinVar aggregate classification (germline): Uncertain significance (1 of 4 stars; one submission).

Conditions:
Progressive myoclonic epilepsy type 5. Identifiers: Orphanet 402082, MedGen C5190799.

Allele frequency attached by ClinVar (database versions not stated): TOPMed 0.00002; gnomAD 0.00003 and 0.00004.
gnomAD v4.1: 73 of 1,614,080 alleles (0.0045%); highest among the groups gnomAD compares: Non-Finnish European, 0.0062%; no homozygotes.

Submission:

Labcorp Genetics (formerly Invitae), Labcorp
Classification: Uncertain significance for Progressive myoclonic epilepsy type 5. Last evaluated: 2019-11-11. Review status: criteria provided, single submitter. Criteria: Invitae Variant Classification Sherloc (09022015). Collection method: clinical testing. Allele origin: germline.
Comment: In summary, the available evidence is currently insufficient to determine the role of this variant in disease. Therefore, it has been classified as a Variant of Uncertain Significance. Algorithms developed to predict the effect of missense changes on protein structure and function (SIFT, PolyPhen-2, Align-GVGD) all suggest that this variant is likely to be tolerated, but these predictions have not been confirmed by published functional studies and their clinical significance is uncertain. This variant has not been reported in the literature in individuals with PRICKLE2-related conditions. This variant is present in population databases (rs765569869, ExAC 0.001%). This sequence change replaces phenylalanine with tyrosine at codon 761 of the PRICKLE2 protein (p.Phe761Tyr). The phenylalanine residue is moderately conserved and there is a small physicochemical difference between phenylalanine and tyrosine.

NM_198859.4(PRICKLE2):c.2282T>A (p.Phe761Tyr)

Genes: PRICKLE2 (prickle planar cell polarity protein 2; minus strand), PRICKLE2-AS1 (PRICKLE2 antisense RNA 1; plus strand). Cytogenetic location: 3p14.1.
Variant type: single nucleotide variant.
Coding change: c.2282T>A on transcript NM_198859.4 (MANE Select); coding-DNA position 2282, T replaced by A.
Protein change: p.Phe761Tyr; replaces phenylalanine 761 with tyrosine.
Molecular consequence: missense variant. On other transcripts: non-coding transcript variant (1).
Genome position (GRCh38, 1-based): chr3:64,099,304, A>T on the plus strand (T>A on the coding strand, the complement: PRICKLE2 is on the minus strand). VCF-style: chr3-64099304-A-T. GRCh37 (hg19) VCF-style: chr3-64084980-A-T.
Other names: c.2282T>A, p.Phe761Tyr (NM_001370528.1); short protein forms F761Y.
Identifiers: ClinVar variation 955708 (VCV000955708.7), dbSNP rs765569869, ClinGen allele CA2479466.